The following is an entry in ClinVar:

NM_001252024.2(TRPM1):c.2156A>G (p.Lys719Arg)

Gene: TRPM1 (transient receptor potential cation channel subfamily M member 1; minus strand). Cytogenetic location: 15q13.3.
Variant type: single nucleotide variant.
Coding change: c.2156A>G on transcript NM_001252024.2 (MANE Select); coding-DNA position 2156, A replaced by G.
Protein change: p.Lys719Arg; replaces lysine 719 with arginine.
Molecular consequence: missense variant.
Genome position (GRCh38, 1-based): chr15:31,040,278, T>C on the plus strand (A>G on the coding strand, the complement: TRPM1 is on the minus strand). VCF-style: chr15-31040278-T-C. GRCh37 (hg19) VCF-style: chr15-31332481-T-C.
Other names: c.2207A>G, p.Lys736Arg (NM_001252020.2); c.2090A>G, p.Lys697Arg (NM_002420.6); short protein forms K697R, K719R, K736R.
Identifiers: ClinVar variation 2130620 (VCV002130620.4), dbSNP rs2504109515, ClinGen allele CA391510468.

ClinVar aggregate classification (germline): Uncertain significance (1 of 4 stars; one submission).

Submission:

Labcorp Genetics (formerly Invitae), Labcorp
Classification: Uncertain significance. Last evaluated: 2022-10-26. Review status: criteria provided, single submitter. Criteria: Invitae Variant Classification Sherloc (09022015). Collection method: clinical testing. Allele origin: germline.
Comment: In summary, the available evidence is currently insufficient to determine the role of this variant in disease. Therefore, it has been classified as a Variant of Uncertain Significance. Advanced modeling of protein sequence and biophysical properties (such as structural, functional, and spatial information, amino acid conservation, physicochemical variation, residue mobility, and thermodynamic stability) performed at Invitae indicates that this missense variant is not expected to disrupt TRPM1 protein function. This variant has not been reported in the literature in individuals affected with TRPM1-related conditions. This variant is not present in population databases (gnomAD no frequency). This sequence change replaces lysine, which is basic and polar, with arginine, which is basic and polar, at codon 697 of the TRPM1 protein (p.Lys697Arg).